The following is an entry in ClinVar:

NM_007078.3(LDB3):c.526G>A (p.Gly176Arg)

Gene: LDB3 (LIM domain binding 3; plus strand). Cytogenetic location: 10q23.2.
Variant type: single nucleotide variant.
Coding change: c.526G>A on transcript NM_007078.3 (MANE Select); coding-DNA position 526, G replaced by A.
Protein change: p.Gly176Arg; replaces glycine 176 with arginine.
Molecular consequence: missense variant. On other transcripts: intron variant (5).
Genome position (GRCh38, 1-based): chr10:86,681,640, G>A. VCF-style: chr10-86681640-G-A. GRCh37 (hg19) VCF-style: chr10-88441397-G-A.
Other names: c.526G>A, p.Gly176Arg (NM_001080115.2, NM_001171610.2, NM_001171611.2 and 3 more transcripts); c.321+1483G>A (NM_001368068.1, NM_001368066.1, NM_001080114.2 and 2 more transcripts); c.526G>A (NM_007078.2); short protein forms G176R.
Identifiers: ClinVar variation 252554 (VCV000252554.12), dbSNP rs149167391, ClinGen allele CA5584727.
Genomic context (GRCh38, chr10:86,681,640, plus strand): 5'-GCCGAGGCCTCTGACCCTGGCCCTCCGCGGGCCAGCCTGAGGGCCAAGACCAGCCCAGAG[G>A]GGGCCCGGGACCTACTCGGCCCAAAAGCCCTGCCGGGCTCGAGCCAGCCGAGGCAATATA-3'
Protein context (NP_009009.1, residues 166-186): ASLRAKTSPE[Gly176Arg]ARDLLGPKAL

ClinVar aggregate classification (germline): Uncertain significance. Review status: criteria provided, multiple submitters, no conflicts (2 of 4 stars). 3 submissions from 3 submitters: Uncertain significance (3). Last evaluated 2026-01-28.

Conditions:
Cardiovascular phenotype. Identifiers: MedGen CN230736.
Myofibrillar myopathy 4. Also called: Zaspopathy (type). Identifiers: Orphanet 98912, MedGen C4721886, MONDO:0012277, OMIM 609452.

Allele frequency attached by ClinVar (database versions not stated): gnomAD 0.00002; ExAC 0.00007; ESP Exome Variant Server 0.00008.
gnomAD v4.1: 39 of 1,613,234 alleles (0.0024%); highest among the groups gnomAD compares: South Asian, 0.036%; 1 homozygote.

Submissions (3):

Labcorp Genetics (formerly Invitae), Labcorp
Classification: Uncertain significance for Myofibrillar myopathy 4. Last evaluated: 2026-01-28. Review status: criteria provided, single submitter. Criteria: Invitae Variant Classification Sherloc (09022015). Collection method: clinical testing. Allele origin: germline.
Comment: The LDB3 gene has multiple clinically relevant transcripts. This variant occurs in alternate transcript NM_007078.3, and corresponds to NM_001080116.1:c.321+1483G>A in the primary transcript. This sequence change replaces glycine, which is neutral and non-polar, with arginine, which is basic and polar, at codon 176 of the LDB3 protein (p.Gly176Arg). This variant is present in population databases (rs149167391, gnomAD 0.05%), including at least one homozygous and/or hemizygous individual. This variant has not been reported in the literature in individuals affected with LDB3-related conditions. ClinVar contains an entry for this variant (Variation ID: 252554). Experimental studies and prediction algorithms are not available or were not evaluated, and the functional significance of this variant is currently unknown. Algorithms developed to predict the effect of sequence changes on RNA splicing suggest that this variant is not likely to affect RNA splicing. In summary, the available evidence is currently insufficient to determine the role of this variant in disease. Therefore, it has been classified as a Variant of Uncertain Significance.

Ambry Genetics
Classification: Uncertain significance for Cardiovascular phenotype. Last evaluated: 2025-08-14. Review status: criteria provided, single submitter. Criteria: Ambry Variant Classification Scheme 2023. Collection method: clinical testing. Allele origin: germline.

Genomic Diagnostic Laboratory, Division of Genomic Diagnostics, Children's Hospital of Philadelphia
Classification: Uncertain significance. Last evaluated: 2015-07-27. Review status: criteria provided, single submitter. Criteria: DGD Variant Analysis Guidelines. Collection method: clinical testing. Allele origin: unknown.